The following is an entry in ClinVar:

NM_018297.4(NGLY1):c.884A>G (p.Tyr295Cys)

Gene: NGLY1 (N-glycanase 1; minus strand). Cytogenetic location: 3p24.2.
Variant type: single nucleotide variant.
Coding change: c.884A>G on transcript NM_018297.4 (MANE Select); coding-DNA position 884, A replaced by G.
Protein change: p.Tyr295Cys; replaces tyrosine 295 with cysteine.
Molecular consequence: missense variant.
Genome position (GRCh38, 1-based): chr3:25,737,453, T>C on the plus strand (A>G on the coding strand, the complement: NGLY1 is on the minus strand). VCF-style: chr3-25737453-T-C. GRCh37 (hg19) VCF-style: chr3-25778944-T-C.
Other names: c.884A>G, p.Tyr295Cys (NM_001145293.2, NM_001145295.2); c.758A>G, p.Tyr253Cys (NM_001145294.2); short protein forms Y253C, Y295C.
Identifiers: ClinVar variation 3383778 (VCV003383778.1).
Genomic context (GRCh38, chr3:25,737,453, plus strand): 5'-CAATTGGCCCACTCGCCACACCGTCCACATCTTGTTTCCAAAAGTTTCTCAGGGTTATTA[T>C]ATCTGGTTTAAAAAGAAAAAAAACCTTAATTATCAAAATCAAGATTTTTAAGAGAATTTA-3'
Protein context (NP_060767.2, residues 285-305): ACQFSNRFPR[Tyr295Cys]NNPEKLLETR

ClinVar aggregate classification (germline): Uncertain significance (1 of 4 stars; one submission).

Submission:

GeneDx
Classification: Uncertain significance. Last evaluated: 2024-05-31. Review status: criteria provided, single submitter. Criteria: GeneDx Variant Classification Process June 2021. Collection method: clinical testing. Allele origin: germline. Affected: yes.
Comment: Not observed at significant frequency in large population cohorts (gnomAD); In silico analysis supports that this missense variant has a deleterious effect on protein structure/function; Has not been previously published as pathogenic or benign to our knowledge